The following is an entry in ClinVar:

NM_153373.4(PHYKPL):c.33G>C (p.Thr11=)

Gene: PHYKPL (5-phosphohydroxy-L-lysine phospho-lyase; minus strand). Cytogenetic location: 5q35.3.
Variant type: single nucleotide variant.
Coding change: c.33G>C on transcript NM_153373.4 (MANE Select); coding-DNA position 33, G replaced by C.
Protein change: p.Thr11=; no amino-acid change (threonine 11 retained).
Molecular consequence: synonymous variant. On other transcripts: 5 prime UTR variant (1), non-coding transcript variant (3).
Genome position (GRCh38, 1-based): chr5:178,232,518, C>G on the plus strand (G>C on the coding strand, the complement: PHYKPL is on the minus strand). VCF-style: chr5-178232518-C-G. GRCh37 (hg19) VCF-style: chr5-177659519-C-G.
Other names: c.-914G>C (NM_001278346.1); c.-379G>C (NM_032921.1).
Identifiers: ClinVar variation 3055399 (VCV003055399.2), dbSNP rs116735771, ClinGen allele CA3590599.

ClinVar aggregate classification (germline): Benign (0 of 4 stars; one submission).

Conditions:
PHYKPL-related disorder. Also called: PHYKPL-related condition.

Allele frequency attached by ClinVar (database versions not stated): ESP Exome Variant Server 0.10723; gnomAD 0.13622; TOPMed 0.14366; 1000 Genomes Project 0.15276; 1000 Genomes Project 30x 0.15615.

Submission:

PreventionGenetics, part of Exact Sciences
Classification: Benign for PHYKPL-related condition. Last evaluated: 2019-11-11. Review status: no assertion criteria provided. Collection method: clinical testing. Allele origin: germline.
Comment: This variant is classified as benign based on ACMG/AMP sequence variant interpretation guidelines (Richards et al. 2015 PMID: 25741868, with internal and published modifications).